The following is an entry in ClinVar:

ClinVar aggregate classification (germline): Benign. Review status: criteria provided, multiple submitters, no conflicts (2 of 4 stars). 2 submissions from 2 submitters: Benign (2). Last evaluated 2023-11-12.

Submissions (2):

Unidad de Genómica Garrahan, Hospital de Pediatría Garrahan
Classification: Benign. Last evaluated: 2023-11-12. Review status: criteria provided, single submitter. Criteria: ACMG Guidelines, 2015. Collection method: clinical testing. Allele origin: germline. Affected: no. Observed: 77 variant alleles.
Comment: This variant is classified as Benign based on local population frequency. This variant was detected in 80% of patients studied by a panel of primary immunodeficiencies. Number of patients: 77. Only high quality variants are reported.

GeneDx
Classification: Benign. Last evaluated: 2021-05-13. Review status: criteria provided, single submitter. Criteria: GeneDx Variant Classification Process June 2021. Collection method: clinical testing. Allele origin: germline. Affected: yes.

NM_144687.4(NLRP12):c.2244-85dup

Gene: NLRP12 (NLR family pyrin domain containing 12; minus strand). Cytogenetic location: 19q13.42.
Variant type: Duplication.
Coding change: c.2244-85dup on transcript NM_144687.4 (MANE Select); 85 bases into the intron before coding-DNA position 2244, one base duplicated (A; older notation c.2244-85dupA).
Molecular consequence: intron variant.
Genome position (GRCh38, 1-based): chr19:53,805,522, T duplicated on the plus strand (A on the coding strand, the reverse complement: NLRP12 is on the minus strand); the first of 14 consecutive T bases (chr19:53,805,522-53,805,535); duplicating any one gives the same sequence. VCF-style (leftmost placement, unchanged base first): chr19-53805521-C-CT. GRCh37 (hg19) VCF-style: chr19-54308775-C-CT.
Other names: c.2244-85dup (NM_001277129.1); c.2247-85dup (NM_001277126.2).
Identifiers: ClinVar variation 1182555 (VCV001182555.4), dbSNP rs34166148, ClinGen allele CA310065855.